The following is an entry in ClinVar:

NM_006996.3(SLC19A2):c.1139T>C (p.Met380Thr)

Gene: SLC19A2 (solute carrier family 19 member 2; minus strand). Cytogenetic location: 1q24.2.
Variant type: single nucleotide variant.
Coding change: c.1139T>C on transcript NM_006996.3 (MANE Select); coding-DNA position 1139, T replaced by C.
Protein change: p.Met380Thr; replaces methionine 380 with threonine.
Molecular consequence: missense variant.
Genome position (GRCh38, 1-based): chr1:169,468,728, A>G on the plus strand (T>C on the coding strand, the complement: SLC19A2 is on the minus strand). VCF-style: chr1-169468728-A-G. GRCh37 (hg19) VCF-style: chr1-169437966-A-G.
Other names: c.536T>C, p.Met179Thr (NM_001319667.1); c.1139T>C (NM_006996.2); short protein forms M179T, M380T.
Identifiers: ClinVar variation 1398076 (VCV001398076.4), dbSNP rs375188929, ClinGen allele CA1232912.
Genomic context (GRCh38, chr1:169,468,728, plus strand): 5'-TAGATGATTCTGAAGACAACATAGGATGCATAGCACACCCAAATGTTACCCACAGTGTCC[A>G]TGATATACACTGCAGCAGCAATCAGGAGAGAAAAGAGAGATAATGTCATTTCTCCCCAAG-3'
Protein context (NP_008927.1, residues 370-390): SLLIAAAVYI[Met380Thr]DTVGNIWVCY

ClinVar aggregate classification (germline): Uncertain significance. Review status: criteria provided, multiple submitters, no conflicts (2 of 4 stars). 2 submissions from 2 submitters: Uncertain significance (2). Last evaluated 2024-09-18.

Conditions:
Inborn genetic diseases. Identifiers: MedGen C0950123, MeSH D030342.

Allele frequency attached by ClinVar (database versions not stated): gnomAD exomes 0.00001; ExAC 0.00002; ESP Exome Variant Server 0.00008; TOPMed 0.00008; gnomAD 0.00009.

Submissions (2):

Ambry Genetics
Classification: Uncertain significance for Inborn genetic diseases. Last evaluated: 2024-09-18. Review status: criteria provided, single submitter. Criteria: Ambry Variant Classification Scheme 2023. Collection method: clinical testing. Allele origin: germline.

Labcorp Genetics (formerly Invitae), Labcorp
Classification: Uncertain significance. Last evaluated: 2021-09-15. Review status: criteria provided, single submitter. Criteria: Invitae Variant Classification Sherloc (09022015). Collection method: clinical testing. Allele origin: germline.
Comment: This sequence change replaces methionine with threonine at codon 380 of the SLC19A2 protein (p.Met380Thr). The methionine residue is highly conserved and there is a moderate physicochemical difference between methionine and threonine. This variant is present in population databases (rs375188929, ExAC 0.02%). This variant has not been reported in the literature in individuals affected with SLC19A2-related conditions. Advanced modeling of protein sequence and biophysical properties (such as structural, functional, and spatial information, amino acid conservation, physicochemical variation, residue mobility, and thermodynamic stability) performed at Invitae indicates that this missense variant is expected to disrupt SLC19A2 protein function. In summary, the available evidence is currently insufficient to determine the role of this variant in disease. Therefore, it has been classified as a Variant of Uncertain Significance.